The following is an entry in ClinVar:

NM_000245.4(MET):c.1772G>A (p.Arg591Gln)

Gene: MET (MET proto-oncogene, receptor tyrosine kinase; plus strand). Cytogenetic location: 7q31.2.
Variant type: single nucleotide variant.
Coding change: c.1772G>A on transcript NM_000245.4 (MANE Select); coding-DNA position 1772, G replaced by A.
Protein change: p.Arg591Gln; replaces arginine 591 with glutamine.
Molecular consequence: missense variant.
Genome position (GRCh38, 1-based): chr7:116,755,425, G>A. VCF-style: chr7-116755425-G-A. GRCh37 (hg19) VCF-style: chr7-116395479-G-A.
Other names: c.1772G>A, p.Arg591Gln (NM_001127500.3, NM_001324401.3); c.482G>A, p.Arg161Gln (NM_001324402.2); short protein forms R591Q, R161Q.
Identifiers: ClinVar variation 579079 (VCV000579079.15), dbSNP rs775965879, ClinGen allele CA368977793.

ClinVar aggregate classification (germline): Conflicting classifications of pathogenicity. Review status: criteria provided, conflicting classifications (1 of 4 stars). 4 submissions from 4 submitters: Uncertain significance (3); Likely benign (1). Last evaluated 2026-01-18.

Conditions:
Papillary renal cell carcinoma type 1 (RCCP1). Also called: Renal adenocarcinoma; Renal cell carcinoma 1; Renal cell carcinoma, somatic; RENAL CELL CARCINOMA, PAPILLARY, 1, SOMATIC. Identifiers: Orphanet 47044, MedGen C1336839, OMIM 605074, HP:0011797.
Renal cell carcinoma. Identifiers: Orphanet 217071, MedGen C0007134, MeSH D002292, MONDO:0005086, HP:0005584.
Autosomal recessive nonsyndromic hearing loss 97. Also called: Deafness, autosomal recessive 97. Identifiers: Orphanet 90636, MedGen C4084709, MONDO:0014739, OMIM 616705.
Hereditary cancer-predisposing syndrome. Also called: Neoplastic Syndromes, Hereditary; Tumor predisposition; Hereditary neoplastic syndrome; Hereditary Cancer Syndrome. Identifiers: Orphanet 140162, MedGen C0027672, MeSH D009386, MONDO:0015356.

Allele frequency attached by ClinVar (database versions not stated): gnomAD 0.00001; TOPMed 0.00001.
gnomAD v4.1: 17 of 1,613,884 alleles (0.0011%); highest among the groups gnomAD compares: East Asian, 0.022%; no homozygotes.

Submissions (4):

Labcorp Genetics (formerly Invitae), Labcorp
Classification: Uncertain significance for Renal cell carcinoma. Last evaluated: 2026-01-18. Review status: criteria provided, single submitter. Criteria: Invitae Variant Classification Sherloc (09022015). Collection method: clinical testing. Allele origin: germline.
Comment: This sequence change replaces arginine, which is basic and polar, with glutamine, which is neutral and polar, at codon 591 of the MET protein (p.Arg591Gln). This variant is present in population databases (no rsID available, gnomAD 0.006%). This variant has not been reported in the literature in individuals affected with MET-related conditions. ClinVar contains an entry for this variant (Variation ID: 579079). Invitae Evidence Modeling of protein sequence and biophysical properties (such as structural, functional, and spatial information, amino acid conservation, physicochemical variation, residue mobility, and thermodynamic stability) indicates that this missense variant is not expected to disrupt MET protein function with a negative predictive value of 80%. In summary, the available evidence is currently insufficient to determine the role of this variant in disease. Therefore, it has been classified as a Variant of Uncertain Significance.

Ambry Genetics
Classification: Likely benign for Hereditary cancer-predisposing syndrome. Last evaluated: 2025-06-25. Review status: criteria provided, single submitter. Criteria: Ambry Variant Classification Scheme 2023. Collection method: clinical testing. Allele origin: germline.

Baylor Genetics
Classification: Uncertain significance for Autosomal recessive nonsyndromic hearing loss 97. Last evaluated: 2023-10-18. Review status: criteria provided, single submitter. Criteria: ACMG Guidelines, 2015. Collection method: clinical testing. Allele origin: unknown.

MGZ Medical Genetics Center
Classification: Uncertain significance for Papillary renal cell carcinoma type 1. Last evaluated: 2022-01-24. Review status: criteria provided, single submitter. Criteria: ACMG Guidelines, 2015. Collection method: clinical testing. Allele origin: germline. Affected: yes. Observed: 1 variant allele.
Comment: ACMG criteria applied: PM2_SUP, BP4